The following is an entry in ClinVar:

NM_003052.5(SLC34A1):c.706C>G (p.Pro236Ala)

Gene: SLC34A1 (solute carrier family 34 member 1; plus strand). Cytogenetic location: 5q35.3.
Variant type: single nucleotide variant.
Coding change: c.706C>G on transcript NM_003052.5 (MANE Select); coding-DNA position 706, C replaced by G.
Protein change: p.Pro236Ala; replaces proline 236 with alanine.
Molecular consequence: missense variant.
Genome position (GRCh38, 1-based): chr5:177,388,055, C>G. VCF-style: chr5-177388055-C-G. GRCh37 (hg19) VCF-style: chr5-176815056-C-G.
Other names: c.706C>G, p.Pro236Ala (NM_001167579.2); short protein forms P236A.
Identifiers: ClinVar variation 1370927 (VCV001370927.4), dbSNP rs1356220927, ClinGen allele CA362365266.

ClinVar aggregate classification (germline): Uncertain significance. Review status: criteria provided, multiple submitters, no conflicts (2 of 4 stars). 2 submissions from 2 submitters: Uncertain significance (2). Last evaluated 2024-01-14.

Conditions:
Fanconi renotubular syndrome 2 (FRTS2). Identifiers: MedGen C3150652, MONDO:0013247, OMIM 613388.
Hypophosphatemic nephrolithiasis/osteoporosis 1. Identifiers: Orphanet 244305, MedGen C2676786, MONDO:0012850, OMIM 612286.
Hypercalcemia, infantile, 2 (HCINF2). Identifiers: Orphanet 300547, MedGen C4310473, MONDO:0014851, OMIM 616963.

Submissions (2):

Fulgent Genetics
Classification: Uncertain significance for Hypophosphatemic nephrolithiasis/osteoporosis 1; Fanconi renotubular syndrome 2; Hypercalcemia, infantile, 2. Last evaluated: 2024-01-14. Review status: criteria provided, single submitter. Criteria: ACMG Guidelines, 2015. Collection method: clinical testing. Allele origin: germline.

Labcorp Genetics (formerly Invitae), Labcorp
Classification: Uncertain significance. Last evaluated: 2022-01-08. Review status: criteria provided, single submitter. Criteria: Invitae Variant Classification Sherloc (09022015). Collection method: clinical testing. Allele origin: germline.
Comment: This sequence change replaces proline, which is neutral and non-polar, with alanine, which is neutral and non-polar, at codon 236 of the SLC34A1 protein (p.Pro236Ala). This variant is not present in population databases (gnomAD no frequency). This variant has not been reported in the literature in individuals affected with SLC34A1-related conditions. Algorithms developed to predict the effect of missense changes on protein structure and function (SIFT, PolyPhen-2, Align-GVGD) all suggest that this variant is likely to be disruptive. In summary, the available evidence is currently insufficient to determine the role of this variant in disease. Therefore, it has been classified as a Variant of Uncertain Significance.